The following is an entry in ClinVar:

NM_015178.3(RHOBTB2):c.222T>C (p.Asp74=)

Gene: RHOBTB2 (Rho related BTB domain containing 2; plus strand). Cytogenetic location: 8p21.3.
Variant type: single nucleotide variant.
Coding change: c.222T>C on transcript NM_015178.3 (MANE Select); coding-DNA position 222, T replaced by C.
Protein change: p.Asp74=; no amino-acid change (aspartic acid 74 retained).
Molecular consequence: synonymous variant.
Genome position (GRCh38, 1-based): chr8:23,005,401, T>C. VCF-style: chr8-23005401-T-C. GRCh37 (hg19) VCF-style: chr8-22862914-T-C.
Other names: c.222T>C, p.Asp74= (NM_001374791.1); c.288T>C, p.Asp96= (NM_001160036.2); c.243T>C, p.Asp81= (NM_001160037.2).
Identifiers: ClinVar variation 4872797 (VCV004872797.2).

ClinVar aggregate classification (germline): Likely benign (1 of 4 stars; one submission).

Submission:

CeGaT Center for Human Genetics Tuebingen
Classification: Likely benign. Last evaluated: 2026-05-01. Review status: criteria provided, single submitter. Criteria: CeGaT Center For Human Genetics Tuebingen Variant Classification Criteria Version 2. Collection method: clinical testing. Allele origin: germline. Affected: yes. Observed: 1 variant allele.
Comment: RHOBTB2: PM2:Supporting, BP4, BP7